The following is an entry in ClinVar:

NM_001145809.2(MYH14):c.5997_6000del (p.Gln2000fs)

Gene: MYH14 (myosin heavy chain 14; plus strand). Cytogenetic location: 19q13.33.
Variant type: Deletion.
Coding change: c.5997_6000del on transcript NM_001145809.2 (MANE Select); coding-DNA positions 5997 to 6000, 4 bases deleted (CCAG; older notation c.5997_6000delCCAG).
Protein change: p.Gln2000fs; shifts the reading frame from glutamine 2000.
Molecular consequence: frameshift variant.
Genome position (GRCh38, 1-based): chr19:50,309,676-50,309,679, CCAG deleted; deleting any 4 consecutive bases within chr19:50,309,675-50,309,679 gives the same sequence; the c. name uses the placement nearest the transcript's 3' end. VCF-style (leftmost placement, unchanged base first): chr19-50309674-CGCCA-C. GRCh37 (hg19) VCF-style: chr19-50812931-CGCCA-C.
Other names: c.5898_5901del, p.Gln1967fs (NM_001077186.2); c.5874_5877del, p.Gln1959fs (NM_024729.4); short protein forms Q2000fs, Q1959fs, Q1967fs.
Identifiers: ClinVar variation 2839715 (VCV002839715.3), dbSNP rs2513782221, ClinGen allele CA2739276934.

ClinVar aggregate classification (germline): Uncertain significance (1 of 4 stars; one submission).

Submission:

Labcorp Genetics (formerly Invitae), Labcorp
Classification: Uncertain significance. Last evaluated: 2023-02-22. Review status: criteria provided, single submitter. Criteria: Invitae Variant Classification Sherloc (09022015). Collection method: clinical testing. Allele origin: germline.
Comment: In summary, the available evidence is currently insufficient to determine the role of this variant in disease. Therefore, it has been classified as a Variant of Uncertain Significance. Experimental studies and prediction algorithms are not available or were not evaluated, and the functional significance of this variant is currently unknown. This variant has not been reported in the literature in individuals affected with MYH14-related conditions. This variant is not present in population databases (gnomAD no frequency). This sequence change creates a premature translational stop signal (p.Gln1959Serfs*4) in the MYH14 gene. While this is not anticipated to result in nonsense mediated decay, it is expected to disrupt the last 37 amino acid(s) of the MYH14 protein.